The following is an entry in ClinVar:

ClinVar aggregate classification (germline): Uncertain significance (1 of 4 stars; one submission).

Conditions:
Loeys-Dietz syndrome 2 (LDS2). Also called: TGFBR2-Related Loeys-Dietz Syndrome; MARFAN SYNDROME, TYPE II; Marfan Syndrome type 2; Marfan like connective tissue disorder; MFS 2; Marfan syndrome, type 2 (formerly). Identifiers: Orphanet 284973, Orphanet 558, MedGen C2674574, MONDO:0012427, OMIM 610168.

Allele frequency attached by ClinVar (database versions not stated): gnomAD 0.00001; gnomAD exomes 0.00001.
gnomAD v4.1: 15 of 1,614,070 alleles (0.00093%); highest among the groups gnomAD compares: East Asian, 0.031%; no homozygotes.

Submission:

Labcorp Genetics (formerly Invitae), Labcorp
Classification: Uncertain significance for Loeys-Dietz syndrome 2. Last evaluated: 2023-02-08. Review status: criteria provided, single submitter. Criteria: Invitae Variant Classification Sherloc (09022015). Collection method: clinical testing. Allele origin: germline.
Comment: This sequence change replaces methionine, which is neutral and non-polar, with isoleucine, which is neutral and non-polar, at codon 457 of the TMPO protein (p.Met457Ile). This variant is not present in population databases (gnomAD no frequency). This variant has not been reported in the literature in individuals affected with TMPO-related conditions. Advanced modeling of protein sequence and biophysical properties (such as structural, functional, and spatial information, amino acid conservation, physicochemical variation, residue mobility, and thermodynamic stability) performed at Invitae indicates that this missense variant is not expected to disrupt TMPO protein function. In summary, the available evidence is currently insufficient to determine the role of this variant in disease. Therefore, it has been classified as a Variant of Uncertain Significance.

NM_001032283.3(TMPO):c.565+1790G>A

Gene: TMPO (thymopoietin; plus strand). Cytogenetic location: 12q23.1.
Variant type: single nucleotide variant.
Coding change: c.565+1790G>A on transcript NM_001032283.3 (MANE Select); 1790 bases into the intron after coding-DNA position 565, G replaced by A.
Molecular consequence: intron variant. On other transcripts: missense variant (1).
Genome position (GRCh38, 1-based): chr12:98,533,628, G>A. VCF-style: chr12-98533628-G-A. GRCh37 (hg19) VCF-style: chr12-98927406-G-A.
Other names: c.1371G>A, p.Met457Ile (NM_003276.2); c.565+1790G>A (NM_001307975.2, NM_001032284.3); short protein forms M457I.
Identifiers: ClinVar variation 1989002 (VCV001989002.4), dbSNP rs1877360788, ClinGen allele CA386153048.